The following is an entry in ClinVar:

ClinVar aggregate classification (germline): Likely pathogenic (1 of 4 stars; one submission).

Conditions:
ATP7A-related disorder. Also called: ATP7A-related condition.

Submission:

PreventionGenetics, part of Exact Sciences
Classification: Likely pathogenic for ATP7A-related condition. Last evaluated: 2023-09-25. Review status: criteria provided, single submitter. Criteria: ACMG Guidelines, 2015. Collection method: clinical testing. Allele origin: germline.
Comment: The ATP7A c.3930_3933dupAATG variant is predicted to result in a frameshift and premature protein termination (p.Ala1312Asnfs*3). To our knowledge, this variant has not been reported in the literature or in a large population database, indicating this variant is rare. Frameshift variants in ATP7A are expected to be pathogenic. This variant is interpreted as likely pathogenic.

NM_000052.7(ATP7A):c.3930_3933dup (p.Ala1312fs)

Gene: ATP7A (ATPase copper transporting alpha; plus strand). Cytogenetic location: Xq21.1.
Variant type: Duplication.
Coding change: c.3930_3933dup on transcript NM_000052.7 (MANE Select); coding-DNA positions 3930 to 3933, 4 bases duplicated (AATG; older notation c.3930_3933dupAATG).
Protein change: p.Ala1312fs; shifts the reading frame from alanine 1312.
Molecular consequence: frameshift variant. On other transcripts: non-coding transcript variant (1).
Genome position (GRCh38, 1-based): chrX:78,042,713-78,042,716, AATG duplicated. VCF-style (leftmost placement, unchanged base first): chrX-78042712-C-CAATG. GRCh37 (hg19) VCF-style: chrX-77298210-C-CAATG.
Other names: c.3696_3699dup, p.Ala1234fs (NM_001282224.2); short protein forms A1234fs, A1312fs.
Identifiers: ClinVar variation 2633914 (VCV002633914.1), dbSNP rs2522419324, ClinGen allele CA2695197137.
Genomic context (GRCh38, chrX:78,042,712, plus strand): 5'-AAGAGGAGGGGAAACGGGTAGCAATGGTGGGAGATGGAATCAATGACTCCCCAGCTCTGG[C>CAATG]AATGGCTAATGTGGGAATTGCTATTGGCACAGGCACAGATGTAGCCATTGAAGCAGCTGA-3'